The following is an entry in ClinVar:

ClinVar aggregate classification (germline): Pathogenic. Review status: criteria provided, multiple submitters, no conflicts (2 of 4 stars). 4 submissions from 4 submitters: Pathogenic (4). Last evaluated 2024-12-19.

Conditions:
Hereditary nonpolyposis colon cancer (HNPCC). Also called: Hereditary Nonpolyposis Colorectal Cancer Syndrome; Hereditary nonpolyposis colorectal cancer; Familial nonpolyposis colon cancer. Identifiers: Orphanet 443909, MedGen C1333990, MONDO:0018630. Disease mechanism: loss of function.
Hereditary nonpolyposis colorectal neoplasms. Identifiers: MedGen C0009405, MeSH D003123.
Hereditary cancer-predisposing syndrome. Also called: Hereditary neoplastic syndrome; Tumor predisposition; Hereditary Cancer Syndrome; Neoplastic Syndromes, Hereditary. Identifiers: Orphanet 140162, MedGen C0027672, MeSH D009386, MONDO:0015356.
Lynch syndrome 4 (LYNCH4). Also called: Colorectal cancer, hereditary nonpolyposis, type 4; Hereditary non-polyposis colorectal cancer, type 4. Identifiers: Orphanet 144, MedGen C1838333, MONDO:0013699, OMIM 614337. Disease mechanism: loss of function.

Allele frequency attached by ClinVar (database versions not stated): gnomAD exomes below 0.00001.
gnomAD v4.1: 1 of 1,610,844 alleles (0.000062%); highest among the groups gnomAD compares: Non-Finnish European, 0.000085%; no homozygotes.

Submissions (4):

Ambry Genetics
Classification: Pathogenic for Hereditary cancer-predisposing syndrome. Last evaluated: 2024-12-19. Review status: criteria provided, single submitter. Criteria: Ambry Variant Classification Scheme 2023. Collection method: clinical testing. Allele origin: germline.
Comment: The p.E41* pathogenic mutation (also known as c.121G>T), located in coding exon 2 of the PMS2 gene, results from a G to T substitution at nucleotide position 121. This changes the amino acid from a glutamic acid to a stop codon within coding exon 2. This alteration is expected to result in loss of function by premature protein truncation or nonsense-mediated mRNA decay. As such, this alteration is interpreted as a disease-causing mutation.

Women's Health and Genetics/Laboratory Corporation of America, LabCorp
Classification: Pathogenic for Hereditary nonpolyposis colon cancer. Last evaluated: 2024-09-26. Review status: criteria provided, single submitter. Criteria: LabCorp Variant Classification Summary - May 2015. Collection method: clinical testing. Allele origin: germline.
Comment: Variant summary: PMS2 c.121G>T (p.Glu41X) results in a premature termination codon, predicted to cause a truncation of the encoded protein or absence of the protein due to nonsense mediated decay, which are commonly known mechanisms for disease. The variant allele was found at a frequency of 4.1e-06 in 245778 control chromosomes. c.121G>T has been reported in the literature in at least one individual affected with colorectal and endometrial cancer (e.g. Mork_2019). To our knowledge, no experimental evidence demonstrating an impact on protein function has been reported. The following publication has been ascertained in the context of this evaluation (PMID: 31101557). ClinVar contains an entry for this variant (Variation ID: 219674). Based on the evidence outlined above, the variant was classified as pathogenic.

Myriad Genetics, Inc.
Classification: Pathogenic for Lynch syndrome 4. Last evaluated: 2023-09-18. Review status: criteria provided, single submitter. Criteria: Myriad Autosomal Dominant, Autosomal Recessive and X-Linked Classification Criteria (2023). Collection method: clinical testing. Allele origin: unknown.
Comment: This variant is considered pathogenic. This variant creates a termination codon and is predicted to result in premature protein truncation.

Labcorp Genetics (formerly Invitae), Labcorp
Classification: Pathogenic for Hereditary nonpolyposis colorectal neoplasms. Last evaluated: 2023-05-20. Review status: criteria provided, single submitter. Criteria: Invitae Variant Classification Sherloc (09022015). Collection method: clinical testing. Allele origin: germline.
Comment: For these reasons, this variant has been classified as Pathogenic. This sequence change creates a premature translational stop signal (p.Glu41*) in the PMS2 gene. It is expected to result in an absent or disrupted protein product. Loss-of-function variants in PMS2 are known to be pathogenic (PMID: 21376568, 24362816). This variant is present in population databases (no rsID available, gnomAD 0.0009%). This variant has not been reported in the literature in individuals affected with PMS2-related conditions. ClinVar contains an entry for this variant (Variation ID: 219674). Algorithms developed to predict the effect of sequence changes on RNA splicing suggest that this variant may disrupt the consensus splice site.

Literature cited by the submitters: PubMed 31101557 (cited by Women's Health and Genetics/Laboratory Corporation of America, LabCorp); PubMed 21376568 (cited by Labcorp Genetics (formerly Invitae), Labcorp); PubMed 24362816 (cited by Labcorp Genetics (formerly Invitae), Labcorp).

NM_000535.7(PMS2):c.121G>T (p.Glu41Ter)

Gene: PMS2 (PMS1 homolog 2, mismatch repair system component; minus strand). Cytogenetic location: 7p22.1.
Variant type: single nucleotide variant.
Coding change: c.121G>T on transcript NM_000535.7 (MANE Select); coding-DNA position 121, G replaced by T.
Protein change: p.Glu41Ter; replaces glutamic acid 41 with a stop codon.
Molecular consequence: nonsense. On other transcripts: 5 prime UTR variant (8), non-coding transcript variant (1), intron variant (3).
Genome position (GRCh38, 1-based): chr7:6,005,934, C>A on the plus strand (G>T on the coding strand, the complement: PMS2 is on the minus strand). VCF-style: chr7-6005934-C-A. GRCh37 (hg19) VCF-style: chr7-6045565-C-A.
Other names: c.-285G>T (NM_001322003.2, NM_001322005.2, NM_001322009.2 and 1 more transcripts); c.121G>T, p.Glu41Ter (NM_001322006.2, NM_001322014.2); c.-95G>T (NM_001322007.2); c.-764G>T (NM_001322011.2, NM_001322012.2); c.-364G>T (NM_001322015.2); c.-52-1876G>T (NM_001322008.2); c.-242-1876G>T (NM_001322010.2, NM_001322004.2); short protein forms E41*.
Identifiers: ClinVar variation 219674 (VCV000219674.12), dbSNP rs3209663, ClinGen allele CA348188.